The following is an entry in ClinVar:

ClinVar aggregate classification (germline): Uncertain significance. Review status: criteria provided, multiple submitters, no conflicts (2 of 4 stars). 2 submissions from 2 submitters: Uncertain significance (2). Last evaluated 2026-04-23.

Conditions:
Brown-Vialetto-van Laere syndrome 1. Also called: BROWN-VIALETTO-VAN LAERE SYNDROME 1, MILD; BULBAR PALSY, PROGRESSIVE, WITH SENSORINEURAL DEAFNESS; PONTOBULBAR PALSY WITH DEAFNESS. Identifiers: Orphanet 572550, Orphanet 97229, MedGen C0796274, MONDO:0024537, OMIM 211530.
SLC52A3-related disorder. Also called: SLC52A3-related condition.

Allele frequency attached by ClinVar (database versions not stated): TOPMed 0.00001; ExAC 0.00002; gnomAD 0.00002.
gnomAD v4.1: 29 of 1,591,810 alleles (0.0018%); highest among the groups gnomAD compares: South Asian, 0.015%; 1 homozygote.

Submissions (2):

PreventionGenetics, part of Exact Sciences
Classification: Uncertain significance for SLC52A3-related condition. Last evaluated: 2026-04-23. Review status: criteria provided, single submitter. Criteria: ACMG Guidelines, 2015. Collection method: clinical testing. Allele origin: germline.
Comment: The SLC52A3 c.592G>A variant is predicted to result in the amino acid substitution p.Ala198Thr. To our knowledge, this variant has not been reported in the literature. This variant is reported in 0.033% of alleles in individuals of South Asian descent in gnomAD. At this time, the clinical significance of this variant is uncertain due to the absence of conclusive functional and genetic evidence.

Labcorp Genetics (formerly Invitae), Labcorp
Classification: Uncertain significance for Brown-Vialetto-van Laere syndrome 1. Last evaluated: 2022-08-20. Review status: criteria provided, single submitter. Criteria: Invitae Variant Classification Sherloc (09022015). Collection method: clinical testing. Allele origin: germline.
Comment: This sequence change replaces alanine, which is neutral and non-polar, with threonine, which is neutral and polar, at codon 198 of the SLC52A3 protein (p.Ala198Thr). This variant is present in population databases (rs759918880, gnomAD 0.03%), including at least one homozygous and/or hemizygous individual. This variant has not been reported in the literature in individuals affected with SLC52A3-related conditions. ClinVar contains an entry for this variant (Variation ID: 1433274). Algorithms developed to predict the effect of missense changes on protein structure and function output the following: SIFT: "Tolerated"; PolyPhen-2: "Benign"; Align-GVGD: "Class C0". The threonine amino acid residue is found in multiple mammalian species, which suggests that this missense change does not adversely affect protein function. In summary, the available evidence is currently insufficient to determine the role of this variant in disease. Therefore, it has been classified as a Variant of Uncertain Significance.

NM_033409.4(SLC52A3):c.592G>A (p.Ala198Thr)

Gene: SLC52A3 (solute carrier family 52 member 3; minus strand). Cytogenetic location: 20p13.
Variant type: single nucleotide variant.
Coding change: c.592G>A on transcript NM_033409.4 (MANE Select); coding-DNA position 592, G replaced by A.
Protein change: p.Ala198Thr; replaces alanine 198 with threonine.
Molecular consequence: missense variant.
Genome position (GRCh38, 1-based): chr20:763,979, C>T on the plus strand (G>A on the coding strand, the complement: SLC52A3 is on the minus strand). VCF-style: chr20-763979-C-T. GRCh37 (hg19) VCF-style: chr20-744623-C-T.
Other names: c.592G>A, p.Ala198Thr (NM_001370085.1, NM_001370086.1); c.592G>A (NM_033409.3); short protein forms A198T.
Identifiers: ClinVar variation 1433274 (VCV001433274.6), dbSNP rs759918880, ClinGen allele CA9724720.